The following is an entry in ClinVar:

NM_001377.3(DYNC2H1):c.195+7T>C

Gene: DYNC2H1 (dynein cytoplasmic 2 heavy chain 1; plus strand). Cytogenetic location: 11q22.3.
Variant type: single nucleotide variant.
Coding change: c.195+7T>C on transcript NM_001377.3 (MANE Select); 7 bases into the intron after coding-DNA position 195, T replaced by C.
Molecular consequence: intron variant.
Genome position (GRCh38, 1-based): chr11:103,109,776, T>C. VCF-style: chr11-103109776-T-C. GRCh37 (hg19) VCF-style: chr11-102980505-T-C.
Other names: c.195+7T>C (NM_001080463.2).
Identifiers: ClinVar variation 301996 (VCV000301996.55), dbSNP rs112718117, ClinGen allele CA6252404.

ClinVar aggregate classification (germline): Benign/Likely benign. Review status: criteria provided, multiple submitters, no conflicts (2 of 4 stars). 9 submissions from 9 submitters: Benign (5); Likely benign (2). 2 of the submissions do not count toward it. Last evaluated 2026-06-01.

Conditions:
Asphyxiating thoracic dystrophy 3. Also called: SHORT-RIB THORACIC DYSPLASIA 3 WITH OR WITHOUT POLYDACTYLY; POLYDACTYLY WITH NEONATAL CHONDRODYSTROPHY, TYPE I; SHORT-RIB THORACIC DYSPLASIA 3/6 WITH POLYDACTYLY, DIGENIC; Short rib polydactyly syndrome 2B; Saldino-Noonan Syndrome. Identifiers: Orphanet 474, Orphanet 93269, Orphanet 93270, Orphanet 93271, MedGen C0036069, MONDO:0013127, OMIM 613091.
Asphyxiating thoracic dystrophy 2 (SRTD2). Also called: SHORT-RIB THORACIC DYSPLASIA 2 WITH OR WITHOUT POLYDACTYLY; SHORT-RIB THORACIC DYSPLASIA 2 WITH POLYDACTYLY; SHORT-RIB THORACIC DYSPLASIA 2 WITHOUT POLYDACTYLY. Identifiers: Orphanet 474, MedGen C1970005, MONDO:0012644, OMIM 611263.
Jeune thoracic dystrophy. Also called: Short-rib thoracic dysplasia; Infantile thoracic dystrophy; Thoracic pelvic phalangeal dystrophy; Jeune's syndrome; Chondroectodermal dysplasia-like syndrome; Jeune syndrome. Identifiers: Orphanet 474, MedGen C0265275, MONDO:0018770.

Allele frequency attached by ClinVar (database versions not stated): gnomAD 0.01205 and 0.01187; TOPMed 0.01303; ESP Exome Variant Server 0.01322; gnomAD exomes 0.00937 and 0.01061; 1000 Genomes Project 30x 0.00953; 1000 Genomes Project 0.00998; ExAC 0.01123.
gnomAD v4.1: 15,838 of 1,609,006 alleles (0.98%); highest among the groups gnomAD compares: Middle Eastern, 6%; 160 homozygotes.

Submissions (9):

CeGaT Center for Human Genetics Tuebingen
Classification: Benign. Last evaluated: 2026-06-01. Review status: criteria provided, single submitter. Criteria: CeGaT Center For Human Genetics Tuebingen Variant Classification Criteria Version 2. Collection method: clinical testing. Allele origin: germline. Affected: yes. Observed: 9 variant alleles.
Comment: DYNC2H1: BP4, BS1, BS2

Labcorp Genetics (formerly Invitae), Labcorp
Classification: Benign for Jeune thoracic dystrophy. Last evaluated: 2026-02-04. Review status: criteria provided, single submitter. Criteria: Invitae Variant Classification Sherloc (09022015). Collection method: clinical testing. Allele origin: germline.

Genomic Medicine Center of Excellence, King Faisal Specialist Hospital and Research Centre
Classification: Likely benign for Asphyxiating thoracic dystrophy 2. Last evaluated: 2025-07-30. Review status: criteria provided, single submitter. Criteria: ACMG Guidelines, 2015. Collection method: clinical testing. Allele origin: germline.

Blueprint Genetics
Classification: Likely benign. Last evaluated: 2024-11-27. Review status: criteria provided, single submitter. Criteria: ACMG Guidelines, 2015. Collection method: clinical testing. Allele origin: germline.

ARUP Laboratories, Molecular Genetics and Genomics, ARUP Laboratories
Classification: Benign for Asphyxiating thoracic dystrophy 3. Last evaluated: 2022-09-13. Review status: criteria provided, single submitter. Criteria: ARUP Molecular Germline Variant Investigation Process 2021. Collection method: clinical testing. Allele origin: germline.

Illumina Laboratory Services, Illumina
Classification: Benign for Asphyxiating thoracic dystrophy 3. Last evaluated: 2018-01-12. Review status: criteria provided, single submitter. Criteria: ICSL Variant Classification Criteria 13 December 2019. Collection method: clinical testing. Allele origin: germline.
Comment: This variant was observed in the ICSL laboratory as part of a predisposition screen in an ostensibly healthy population. It had not been previously curated by ICSL or reported in the Human Gene Mutation Database (HGMD: prior to June 1st, 2018), and was therefore a candidate for classification through an automated scoring system. Utilizing variant allele frequency, disease prevalence and penetrance estimates, and inheritance mode, an automated score was calculated to assess if this variant is too frequent to cause the disease. Based on the score and internal cut-off values, a variant classified as benign is not then subjected to further curation. The score for this variant resulted in a classification of benign for this disease.

GeneDx
Classification: Benign. Last evaluated: 2016-09-21. Review status: criteria provided, single submitter. Criteria: GeneDx Variant Classification (06012015). Collection method: clinical testing. Allele origin: germline. Affected: yes.
Comment: This variant is considered likely benign or benign based on one or more of the following criteria: it is a conservative change, it occurs at a poorly conserved position in the protein, it is predicted to be benign by multiple in silico algorithms, and/or has population frequency not consistent with disease.

Clinical Genetics DNA and cytogenetics Diagnostics Lab, Erasmus MC, Erasmus Medical Center
Classification: Benign. Review status: no assertion criteria provided. Collection method: clinical testing. Allele origin: germline. Affected: yes. Study: VKGL Data-share Consensus. Not counted in ClinVar's aggregate classification.

Laboratory of Diagnostic Genome Analysis, Leiden University Medical Center (LUMC)
Classification: Likely benign. Review status: no assertion criteria provided. Collection method: clinical testing. Allele origin: germline. Affected: yes. Study: VKGL Data-share Consensus. Not counted in ClinVar's aggregate classification.